The following is an entry in ClinVar:

ClinVar aggregate classification (germline): Uncertain significance (1 of 4 stars; one submission).

Conditions:
Hereditary cancer-predisposing syndrome. Also called: Neoplastic Syndromes, Hereditary; Tumor predisposition; Hereditary neoplastic syndrome; Hereditary Cancer Syndrome. Identifiers: Orphanet 140162, MedGen C0027672, MeSH D009386, MONDO:0015356.
Cardiovascular phenotype. Identifiers: MedGen CN230736.

gnomAD v4.1: 1 of 1,613,846 alleles (0.000062%); highest among the groups gnomAD compares: Non-Finnish European, 0.000085%; no homozygotes.

Submission:

Ambry Genetics
Classification: Uncertain significance for Cardiovascular phenotype; Hereditary cancer-predisposing syndrome. Last evaluated: 2024-02-13. Review status: criteria provided, single submitter. Criteria: Ambry Variant Classification Scheme 2023. Collection method: clinical testing. Allele origin: germline.
Comment: The p.R355G variant (also known as c.1063C>G), located in coding exon 10 of the LZTR1 gene, results from a C to G substitution at nucleotide position 1063. The arginine at codon 355 is replaced by glycine, an amino acid with dissimilar properties. This amino acid position is conserved. In addition, the in silico prediction for this alteration is inconclusive. Based on the available evidence, the clinical significance of this alteration remains unclear.

NM_006767.4(LZTR1):c.1063C>G (p.Arg355Gly)

Gene: LZTR1 (leucine zipper like post translational regulator 1; plus strand). Cytogenetic location: 22q11.21.
Variant type: single nucleotide variant.
Coding change: c.1063C>G on transcript NM_006767.4 (MANE Select); coding-DNA position 1063, C replaced by G.
Protein change: p.Arg355Gly; replaces arginine 355 with glycine.
Molecular consequence: missense variant.
Genome position (GRCh38, 1-based): chr22:20,992,283, C>G. VCF-style: chr22-20992283-C-G. GRCh37 (hg19) VCF-style: chr22-21346572-C-G.
Other names: short protein forms R355G.
Identifiers: ClinVar variation 3238011 (VCV003238011.1), dbSNP rs371593909.